The following is an entry in ClinVar:

NM_016219.5(MAN1B1):c.1987G>A (p.Glu663Lys)

Gene: MAN1B1 (mannosidase alpha class 1B member 1; plus strand). Cytogenetic location: 9q34.3.
Variant type: single nucleotide variant.
Coding change: c.1987G>A on transcript NM_016219.5 (MANE Select); coding-DNA position 1987, G replaced by A.
Protein change: p.Glu663Lys; replaces glutamic acid 663 with lysine.
Molecular consequence: missense variant. On other transcripts: non-coding transcript variant (2).
Genome position (GRCh38, 1-based): chr9:137,108,478, G>A. VCF-style: chr9-137108478-G-A. GRCh37 (hg19) VCF-style: chr9-140002930-G-A.
Other names: short protein forms E663K.
Identifiers: ClinVar variation 539745 (VCV000539745.8), dbSNP rs371136351, ClinGen allele CA5359536.
Genomic context (GRCh38, chr9:137,108,478, plus strand): 5'-AATGTCCAGGATCCTCAGAAGCCCGAGCCTAGGGACAAGATGGAGAGCTTCTTCCTGGGG[G>A]AGACGCTCAAGTATCTGTTCTTGCTCTTCTCCGATGACCCAAACCTGCTCAGCCTGGATG-3'
Protein context (NP_057303.2, residues 653-673): RDKMESFFLG[Glu663Lys]TLKYLFLLFS

ClinVar aggregate classification (germline): Conflicting classifications of pathogenicity. Review status: criteria provided, conflicting classifications (1 of 4 stars). 2 submissions from 2 submitters: Likely pathogenic (1); Uncertain significance (1). Last evaluated 2024-05-10.

Conditions:
Rafiq syndrome (RAFQS). Identifiers: Orphanet 88616, MedGen C3280127, MONDO:0013624, OMIM 614202.

Allele frequency attached by ClinVar (database versions not stated): gnomAD exomes below 0.00001; TOPMed below 0.00001; ExAC 0.00001; ESP Exome Variant Server 0.00008.
gnomAD v4.1: 2 of 1,613,946 alleles (0.00012%); highest among the groups gnomAD compares: Non-Finnish European, 0.00017%; no homozygotes.

Submissions (2):

GeneDx
Classification: Likely pathogenic. Last evaluated: 2024-05-10. Review status: criteria provided, single submitter. Criteria: GeneDx Variant Classification Process June 2021. Collection method: clinical testing. Allele origin: germline. Affected: yes.
Comment: Not observed at significant frequency in large population cohorts (gnomAD); In silico analysis supports that this missense variant has a deleterious effect on protein structure/function; This variant is associated with the following publications: (PMID: 34258140)

Labcorp Genetics (formerly Invitae), Labcorp
Classification: Uncertain significance for Rafiq syndrome. Last evaluated: 2021-08-12. Review status: criteria provided, single submitter. Criteria: Invitae Variant Classification Sherloc (09022015). Collection method: clinical testing. Allele origin: germline.
Comment: This sequence change replaces glutamic acid with lysine at codon 663 of the MAN1B1 protein (p.Glu663Lys). The glutamic acid residue is highly conserved and there is a small physicochemical difference between glutamic acid and lysine. This variant is present in population databases (rs371136351, ExAC 0.001%). This missense change has been observed in individual(s) with clinical features of MAN1B1-related conditions (Invitae). Algorithms developed to predict the effect of missense changes on protein structure and function (SIFT, PolyPhen-2, Align-GVGD) all suggest that this variant is likely to be disruptive. In summary, the available evidence is currently insufficient to determine the role of this variant in disease. Therefore, it has been classified as a Variant of Uncertain Significance.